The following is an entry in ClinVar:

ClinVar aggregate classification (germline): Uncertain significance (1 of 4 stars; one submission).

Allele frequency attached by ClinVar (database versions not stated): gnomAD exomes 0.00001.
gnomAD v4.1: 5 of 1,614,210 alleles (0.00031%); highest among the groups gnomAD compares: Admixed American, 0.0083%; 1 homozygote.

Submission:

Labcorp Genetics (formerly Invitae), Labcorp
Classification: Uncertain significance. Last evaluated: 2024-07-02. Review status: criteria provided, single submitter. Criteria: Invitae Variant Classification Sherloc (09022015). Collection method: clinical testing. Allele origin: germline.
Comment: This sequence change replaces asparagine, which is neutral and polar, with aspartic acid, which is acidic and polar, at codon 780 of the ROR1 protein (p.Asn780Asp). This variant is present in population databases (no rsID available, gnomAD 0.009%). This variant has not been reported in the literature in individuals affected with ROR1-related conditions. ClinVar contains an entry for this variant (Variation ID: 1954305). Advanced modeling of protein sequence and biophysical properties (such as structural, functional, and spatial information, amino acid conservation, physicochemical variation, residue mobility, and thermodynamic stability) performed at Invitae indicates that this missense variant is not expected to disrupt ROR1 protein function with a negative predictive value of 80%. In summary, the available evidence is currently insufficient to determine the role of this variant in disease. Therefore, it has been classified as a Variant of Uncertain Significance.

NM_005012.4(ROR1):c.2338A>G (p.Asn780Asp)

Gene: ROR1 (receptor tyrosine kinase like orphan receptor 1; plus strand). Cytogenetic location: 1p31.3.
Variant type: single nucleotide variant.
Coding change: c.2338A>G on transcript NM_005012.4 (MANE Select); coding-DNA position 2338, A replaced by G.
Protein change: p.Asn780Asp; replaces asparagine 780 with aspartic acid.
Molecular consequence: missense variant.
Genome position (GRCh38, 1-based): chr1:64,178,379, A>G. VCF-style: chr1-64178379-A-G. GRCh37 (hg19) VCF-style: chr1-64644062-A-G.
Other names: short protein forms N780D.
Identifiers: ClinVar variation 1954305 (VCV001954305.5), dbSNP rs1255168971, ClinGen allele CA340647068.